The following is an entry in ClinVar:

NM_001082486.2(ACD):c.80G>A (p.Arg27Gln)

Gene: ACD (ACD shelterin complex subunit and telomerase recruitment factor; minus strand). Cytogenetic location: 16q22.1.
Variant type: single nucleotide variant.
Coding change: c.80G>A on transcript NM_001082486.2 (MANE Select); coding-DNA position 80, G replaced by A.
Protein change: p.Arg27Gln; replaces arginine 27 with glutamine.
Molecular consequence: missense variant.
Genome position (GRCh38, 1-based): chr16:67,660,141, C>T on the plus strand (G>A on the coding strand, the complement: ACD is on the minus strand). VCF-style: chr16-67660141-C-T. GRCh37 (hg19) VCF-style: chr16-67694044-C-T.
Other names: p.Arg27Gln; c.80G>A, p.Arg27Gln (LRG_1237t1, NM_022914.3); short protein forms R27Q.
Identifiers: ClinVar variation 475768 (VCV000475768.53), dbSNP rs142507451, ClinGen allele CA8114836.

ClinVar aggregate classification (germline): Benign/Likely benign. Review status: criteria provided, multiple submitters, no conflicts (2 of 4 stars). 11 submissions from 11 submitters: Benign (5); Likely benign (3). 3 of the submissions do not count toward it. Last evaluated 2026-09-01.

Conditions:
Dyskeratosis congenita, autosomal dominant 6 (DKCA6). Identifiers: Orphanet 3322, MedGen C4225284, MONDO:0014690, OMIM 616553.

Allele frequency attached by ClinVar (database versions not stated): ESP Exome Variant Server 0.00131; gnomAD 0.00135 and 0.00163; TOPMed 0.00136; ExAC 0.00250; gnomAD exomes 0.00251 and 0.00282; 1000 Genomes Project 0.00280; 1000 Genomes Project 30x 0.00281.

Submissions (11):

CeGaT Center for Human Genetics Tuebingen
Classification: Benign. Last evaluated: 2026-09-01. Review status: criteria provided, single submitter. Criteria: CeGaT Center For Human Genetics Tuebingen Variant Classification Criteria Version 2. Collection method: clinical testing. Allele origin: germline. Affected: yes. Observed: 18 variant alleles.
Comment: ACD: BP4, BS1, BS2

Labcorp Genetics (formerly Invitae), Labcorp
Classification: Benign for Dyskeratosis congenita, autosomal dominant 6. Last evaluated: 2026-01-27. Review status: criteria provided, single submitter. Criteria: Invitae Variant Classification Sherloc (09022015). Collection method: clinical testing. Allele origin: germline.

Center for Genomic Medicine, Rigshospitalet, Copenhagen University Hospital
Classification: Benign. Last evaluated: 2025-03-04. Review status: criteria provided, single submitter. Criteria: ACMG Guidelines, 2015. Collection method: clinical testing. Allele origin: germline.

Blueprint Genetics
Classification: Likely benign. Last evaluated: 2024-11-27. Review status: criteria provided, single submitter. Criteria: ACMG Guidelines, 2015. Collection method: clinical testing. Allele origin: germline.

Mayo Clinic Laboratories, Mayo Clinic
Classification: Benign. Last evaluated: 2024-09-06. Review status: criteria provided, single submitter. Criteria: ACMG Guidelines, 2015. Collection method: clinical testing. Allele origin: germline. Observed: 6 variant alleles.
Comment: BS1, BS2, BP4

Genome-Nilou Lab
Classification: Benign for Dyskeratosis congenita, autosomal dominant 6. Last evaluated: 2021-12-05. Review status: criteria provided, single submitter. Criteria: ACMG Guidelines, 2015. Collection method: clinical testing. Allele origin: germline. Affected: no.

Genetic Services Laboratory, University of Chicago
Classification: Likely benign. Last evaluated: 2018-05-14. Review status: criteria provided, single submitter. Criteria: ACMG Guidelines, 2015. Collection method: clinical testing. Allele origin: germline. Affected: no.

Breakthrough Genomics
Classification: Likely benign. Review status: criteria provided, single submitter. Criteria: ACMG Guidelines, 2015. Collection method: not provided. Allele origin: germline. Inheritance: Autosomal dominant inheritance. Affected: yes.

Clinical Genetics DNA and cytogenetics Diagnostics Lab, Erasmus MC, Erasmus Medical Center
Classification: Benign. Review status: no assertion criteria provided. Collection method: clinical testing. Allele origin: germline. Affected: yes. Study: VKGL Data-share Consensus. Not counted in ClinVar's aggregate classification.

Genome Diagnostics Laboratory, University Medical Center Utrecht
Classification: Likely benign. Review status: no assertion criteria provided. Collection method: clinical testing. Allele origin: germline. Affected: yes. Study: VKGL Data-share Consensus. Not counted in ClinVar's aggregate classification.

Laboratory of Diagnostic Genome Analysis, Leiden University Medical Center (LUMC)
Classification: Likely benign. Review status: no assertion criteria provided. Collection method: clinical testing. Allele origin: germline. Affected: yes. Study: VKGL Data-share Consensus. Not counted in ClinVar's aggregate classification.